The following is an entry in ClinVar:

ClinVar aggregate classification (germline): Uncertain significance (1 of 4 stars; one submission).

Submission:

GeneDx
Classification: Uncertain significance. Last evaluated: 2016-12-02. Review status: criteria provided, single submitter. Criteria: GeneDx Variant Classification (06012015). Collection method: clinical testing. Allele origin: germline. Affected: yes.
Comment: The E7811G variant in the SYNE1 gene has not been reported previously as a pathogenic variant, nor as a benign variant, to our knowledge. The E7811G variant was not observed in approximately 6,500 individuals of European and African American ancestry in the NHLBI Exome Sequencing Project, indicating it is not a common benign variant in these populations. The E7811G variant is a non-conservative amino acid substitution, which is likely to impact secondary protein structure as these residues differ in polarity, charge, size and/or other properties. This substitution occurs at a position that is conserved across species. In silico analysis predicts this variant is probably damaging to the protein structure/function. We interpret E7811G as a variant of uncertain significance.

NM_182961.4(SYNE1):c.23645A>G (p.Glu7882Gly)

Gene: SYNE1 (spectrin repeat containing nuclear envelope protein 1; minus strand). Cytogenetic location: 6q25.2.
Variant type: single nucleotide variant.
Coding change: c.23645A>G on transcript NM_182961.4 (MANE Select); coding-DNA position 23645, A replaced by G.
Protein change: p.Glu7882Gly; replaces glutamic acid 7882 with glycine.
Molecular consequence: missense variant.
Genome position (GRCh38, 1-based): chr6:152,164,308, T>C on the plus strand (A>G on the coding strand, the complement: SYNE1 is on the minus strand). VCF-style: chr6-152164308-T-C. GRCh37 (hg19) VCF-style: chr6-152485443-T-C.
Other names: c.251A>G, p.Glu84Gly (NM_001347701.2); c.110A>G, p.Glu37Gly (NM_001347702.2); c.23432A>G, p.Glu7811Gly (NM_033071.5); short protein forms E7811G, E7882G, E84G, E37G.
Identifiers: ClinVar variation 373432 (VCV000373432.1), dbSNP rs1057518415, ClinGen allele CA16042536.